The following is an entry in ClinVar:

NM_000492.4(CFTR):c.865A>G (p.Arg289Gly)

Gene: CFTR (CF transmembrane conductance regulator; plus strand). Cytogenetic location: 7q31.2.
Variant type: single nucleotide variant.
Coding change: c.865A>G on transcript NM_000492.4 (MANE Select); coding-DNA position 865, A replaced by G.
Protein change: p.Arg289Gly; replaces arginine 289 with glycine.
Molecular consequence: missense variant.
Genome position (GRCh38, 1-based): chr7:117,536,669, A>G. VCF-style: chr7-117536669-A-G. GRCh37 (hg19) VCF-style: chr7-117176723-A-G.
Other names: short protein forms R289G.
Identifiers: ClinVar variation 1764208 (VCV001764208.2), dbSNP rs1057516619, ClinGen allele CA368977582.

ClinVar aggregate classification (germline): Uncertain significance (1 of 4 stars; one submission).

Conditions:
Cystic fibrosis (CF). Also called: MUCOVISCIDOSIS. Identifiers: Orphanet 586, MedGen C0010674, MONDO:0009061, OMIM 219700. Disease mechanism: loss of function.

Allele frequency attached by ClinVar (database versions not stated): gnomAD exomes below 0.00001.
gnomAD v4.1: 1 of 1,610,222 alleles (0.000062%); highest among the groups gnomAD compares: Non-Finnish European, 0.000085%; no homozygotes.

Submission:

Ambry Genetics
Classification: Uncertain significance for Cystic fibrosis. Last evaluated: 2021-12-20. Review status: criteria provided, single submitter. Criteria: Ambry Variant Classification Scheme 2023. Collection method: clinical testing. Allele origin: germline.
Comment: The p.R289G variant (also known as c.865A>G), located in coding exon 7 of the CFTR gene, results from an A to G substitution at nucleotide position 865. The arginine at codon 289 is replaced by glycine, an amino acid with dissimilar properties. This amino acid position is conserved. In addition, this alteration is predicted to be deleterious by in silico analysis. Since supporting evidence is limited at this time, the clinical significance of this alteration remains unclear.